The following is an entry in ClinVar:

NM_004311.4(ARL3):c.509T>C (p.Met170Thr)

Gene: ARL3 (ARF like GTPase 3; minus strand). Cytogenetic location: 10q24.32.
Variant type: single nucleotide variant.
Coding change: c.509T>C on transcript NM_004311.4 (MANE Select); coding-DNA position 509, T replaced by C.
Protein change: p.Met170Thr; replaces methionine 170 with threonine.
Molecular consequence: missense variant.
Genome position (GRCh38, 1-based): chr10:102,676,934, A>G on the plus strand (T>C on the coding strand, the complement: ARL3 is on the minus strand). VCF-style: chr10-102676934-A-G. GRCh37 (hg19) VCF-style: chr10-104436691-A-G.
Other names: c.509T>C (NM_004311.3); short protein forms M170T.
Identifiers: ClinVar variation 1001424 (VCV001001424.11), dbSNP rs141631018, ClinGen allele CA5668402.

ClinVar aggregate classification (germline): Uncertain significance. Review status: criteria provided, multiple submitters, no conflicts (2 of 4 stars). 3 submissions from 3 submitters: Uncertain significance (3). Last evaluated 2025-06-24.

Conditions:
Inborn genetic diseases. Identifiers: MedGen C0950123, MeSH D030342.

Allele frequency attached by ClinVar (database versions not stated): ExAC 0.00002; gnomAD exomes 0.00002 and 0.00005; TOPMed 0.00003; gnomAD 0.00004; ESP Exome Variant Server 0.00008.

Submissions (3):

Ambry Genetics
Classification: Uncertain significance for Inborn genetic diseases. Last evaluated: 2025-06-24. Review status: criteria provided, single submitter. Criteria: Ambry Variant Classification Scheme 2023. Collection method: clinical testing. Allele origin: germline.

Labcorp Genetics (formerly Invitae), Labcorp
Classification: Uncertain significance. Last evaluated: 2022-04-24. Review status: criteria provided, single submitter. Criteria: Invitae Variant Classification Sherloc (09022015). Collection method: clinical testing. Allele origin: germline.
Comment: This variant has not been reported in the literature in individuals affected with ARL3-related conditions. This sequence change replaces methionine, which is neutral and non-polar, with threonine, which is neutral and polar, at codon 170 of the ARL3 protein (p.Met170Thr). This variant is present in population databases (rs141631018, gnomAD 0.003%). ClinVar contains an entry for this variant (Variation ID: 1001424). Algorithms developed to predict the effect of missense changes on protein structure and function are either unavailable or do not agree on the potential impact of this missense change (SIFT: "Deleterious"; PolyPhen-2: "Benign"; Align-GVGD: "Class C0"). In summary, the available evidence is currently insufficient to determine the role of this variant in disease. Therefore, it has been classified as a Variant of Uncertain Significance.

Blueprint Genetics
Classification: Uncertain significance. Last evaluated: 2021-10-25. Review status: criteria provided, single submitter. Criteria: ACMG Guidelines, 2015. Collection method: clinical testing. Allele origin: germline.